The following is an entry in ClinVar:

NM_017514.5(PLXNA3):c.79G>A (p.Val27Met)

Gene: PLXNA3 (plexin A3; plus strand). Cytogenetic location: Xq28.
Variant type: single nucleotide variant.
Coding change: c.79G>A on transcript NM_017514.5 (MANE Select); coding-DNA position 79, G replaced by A.
Protein change: p.Val27Met; replaces valine 27 with methionine.
Molecular consequence: missense variant.
Genome position (GRCh38, 1-based): chrX:154,460,262, G>A. VCF-style: chrX-154460262-G-A. GRCh37 (hg19) VCF-style: chrX-153688602-G-A.
Other names: short protein forms V27M.
Identifiers: ClinVar variation 2401729 (VCV002401729.5), dbSNP rs149048914, ClinGen allele CA10563591.

ClinVar aggregate classification (germline): Uncertain significance. Review status: criteria provided, single submitter (1 of 4 stars). 2 submissions from 2 submitters: Uncertain significance (1). 1 of the submissions does not count toward it. Last evaluated 2025-01-17.

Conditions:
PLXNA3-related disorder. Also called: PLXNA3-related condition.

Allele frequency attached by ClinVar (database versions not stated): ExAC 0.00046; TOPMed 0.00046; gnomAD 0.00063; ESP Exome Variant Server 0.00066.
gnomAD v4.1: 808 of 1,208,166 alleles (0.067%); highest among the groups gnomAD compares: Non-Finnish European, 0.086%; 2 homozygotes.

Submissions (2):

Ambry Genetics
Classification: Uncertain significance. Last evaluated: 2025-01-17. Review status: criteria provided, single submitter. Criteria: Ambry Variant Classification Scheme 2023. Collection method: clinical testing. Allele origin: germline.

PreventionGenetics, part of Exact Sciences
Classification: Likely benign for PLXNA3-related condition. Last evaluated: 2019-09-19. Review status: no assertion criteria provided. Collection method: clinical testing. Allele origin: germline. Not counted in ClinVar's aggregate classification.
Comment: This variant is classified as likely benign based on ACMG/AMP sequence variant interpretation guidelines (Richards et al. 2015 PMID: 25741868, with internal and published modifications).